The following is an entry in ClinVar:

ClinVar aggregate classification (germline): Uncertain significance (1 of 4 stars; one submission).

Conditions:
Inborn genetic diseases. Identifiers: MedGen C0950123, MeSH D030342.

Submission:

Ambry Genetics
Classification: Uncertain significance for Inborn genetic diseases. Last evaluated: 2026-02-24. Review status: criteria provided, single submitter. Criteria: Ambry Variant Classification Scheme 2023. Collection method: clinical testing. Allele origin: germline.
Comment: The p.E1015G variant (also known as c.3044A>G), located in coding exon 31 of the FANCA gene, results from an A to G substitution at nucleotide position 3044. The glutamic acid at codon 1015 is replaced by glycine, an amino acid with similar properties. This amino acid position is conserved. In addition, this alteration is predicted to be tolerated by in silico analysis. Based on the available evidence, the clinical significance of this variant remains unclear.

NM_000135.4(FANCA):c.3044A>G (p.Glu1015Gly)

Gene: FANCA (FA complementation group A; minus strand). Cytogenetic location: 16q24.3.
Variant type: single nucleotide variant.
Coding change: c.3044A>G on transcript NM_000135.4 (MANE Select); coding-DNA position 3044, A replaced by G.
Protein change: p.Glu1015Gly; replaces glutamic acid 1015 with glycine.
Molecular consequence: missense variant.
Genome position (GRCh38, 1-based): chr16:89,752,160, T>C on the plus strand (A>G on the coding strand, the complement: FANCA is on the minus strand). VCF-style: chr16-89752160-T-C. GRCh37 (hg19) VCF-style: chr16-89818568-T-C.
Other names: c.3044A>G, p.Glu1015Gly (NM_001286167.3); short protein forms E1015G.
Identifiers: ClinVar variation 4826903 (VCV004826903.1).